The following is an entry in ClinVar:

ClinVar aggregate classification (germline): Pathogenic/Likely pathogenic. Review status: criteria provided, multiple submitters, no conflicts (2 of 4 stars). 2 submissions from 2 submitters: Pathogenic (1); Likely pathogenic (1). Last evaluated 2025-06-04.

Conditions:
Early-infantile DEE. Also called: Early infantile epileptic encephalopathy; Ohtahara syndrome; Early infantile epileptic encephalopathy with suppression bursts. Identifiers: Orphanet 1934, MedGen C0393706, MONDO:0800491.

Submissions (2):

GeneDx
Classification: Likely pathogenic. Last evaluated: 2025-06-04. Review status: criteria provided, single submitter. Criteria: GeneDx Variant Classification Process June 2021. Collection method: clinical testing. Allele origin: germline. Affected: yes.
Comment: Reported as a de novo variant in an individual with autism in published literature; however, de novo variants in other genes were also identified in this individual and no further clinical information was provided (PMID: 36199823); Nonsense variant predicted to result in protein truncation, as the last 124 amino acids are lost, and other loss-of-function variants have been reported downstream in HGMD; Not observed at significant frequency in large population cohorts (gnomAD); This variant is associated with the following publications: (PMID: 29655203, 36199823)

Labcorp Genetics (formerly Invitae), Labcorp
Classification: Pathogenic for Early-infantile DEE. Last evaluated: 2024-12-07. Review status: criteria provided, single submitter. Criteria: Invitae Variant Classification Sherloc (09022015). Collection method: clinical testing. Allele origin: germline.
Comment: This sequence change creates a premature translational stop signal (p.Glu749*) in the KCNQ2 gene. While this is not anticipated to result in nonsense mediated decay, it is expected to disrupt the last 124 amino acid(s) of the KCNQ2 protein. This variant is not present in population databases (gnomAD no frequency). This premature translational stop signal has been observed in individual(s) with in a cohort of individuals tested for epilepsy and/or neurodevelopmental disorders (PMID: 29655203). ClinVar contains an entry for this variant (Variation ID: 205931). This variant disrupts a region of the KCNQ2 protein in which other variant(s) (p.Cys774Leufs*91) have been determined to be pathogenic (PMID: 23692823). This suggests that this is a clinically significant region of the protein, and that variants that disrupt it are likely to be disease-causing. For these reasons, this variant has been classified as Pathogenic.

Literature cited by the submitters: PubMed 29655203 (cited by Labcorp Genetics (formerly Invitae), Labcorp); PubMed 23692823 (cited by Labcorp Genetics (formerly Invitae), Labcorp).

NM_172107.4(KCNQ2):c.2245G>T (p.Glu749Ter)

Gene: KCNQ2 (potassium voltage-gated channel subfamily Q member 2; minus strand). Cytogenetic location: 20q13.33.
Variant type: single nucleotide variant.
Coding change: c.2245G>T on transcript NM_172107.4 (MANE Select); coding-DNA position 2245, G replaced by T.
Protein change: p.Glu749Ter; replaces glutamic acid 749 with a stop codon.
Molecular consequence: nonsense.
Genome position (GRCh38, 1-based): chr20:63,407,018, C>A on the plus strand (G>T on the coding strand, the complement: KCNQ2 is on the minus strand). VCF-style: chr20-63407018-C-A. GRCh37 (hg19) VCF-style: chr20-62038371-C-A.
Other names: p.E749*:GAG>TAG; c.2152G>T, p.Glu718Ter (NM_172108.5); c.2299G>T, p.Glu767Ter (NM_001382235.1); c.2188G>T, p.Glu730Ter (NM_001439003.1); c.2158G>T, p.Glu720Ter (NM_001439004.1); c.2161G>T, p.Glu721Ter (NM_004518.6); c.2191G>T, p.Glu731Ter (NM_172106.3); short protein forms E749*, E718*, E721*, E731*, E767*, E720*, E730*.
Identifiers: ClinVar variation 205931 (VCV000205931.12), dbSNP rs796052658, ClinGen allele CA090958.
Genomic context (GRCh38, chr20:63,407,018, plus strand): 5'-CCTGCCGCAGGAACTCCATGCTGGCGCGGTTGCCCCCGCCGTAGGCGGACAGCGACCGCT[C>A]GTGGGCAGGCGGCGGCGGGATGCGCACCAGGGAGCCGTGGTCCCCCACGGGGGAGGTGCC-3'